The following is an entry in ClinVar:

ClinVar aggregate classification (germline): Benign/Likely benign. Review status: criteria provided, multiple submitters, no conflicts (2 of 4 stars). 3 submissions from 3 submitters: Benign (1); Likely benign (2). Last evaluated 2026-06-02.

Conditions:
Gastrointestinal stromal tumor. Also called: Gastrointestinal stroma tumor; Gastrointestinal stromal tumor, somatic. Identifiers: Orphanet 44890, MedGen C0238198, MeSH D046152, MONDO:0011719, OMIM 606764, HP:0100723.
Hereditary cancer-predisposing syndrome. Also called: Neoplastic Syndromes, Hereditary; Hereditary Cancer Syndrome; Hereditary neoplastic syndrome; Tumor predisposition. Identifiers: Orphanet 140162, MedGen C0027672, MeSH D009386, MONDO:0015356.

Submissions (3):

Myriad Genetics, Inc.
Classification: Benign for Gastrointestinal stromal tumor. Last evaluated: 2026-06-02. Review status: criteria provided, single submitter. Criteria: Myriad Autosomal Dominant, Autosomal Recessive and X-Linked Classification Criteria (2023). Collection method: clinical testing. Allele origin: unknown.
Comment: This variant is considered benign. This variant is a silent/synonymous amino acid change and it is not expected to impact splicing.

Labcorp Genetics (formerly Invitae), Labcorp
Classification: Likely benign for Gastrointestinal stromal tumor. Last evaluated: 2023-06-28. Review status: criteria provided, single submitter. Criteria: Invitae Variant Classification Sherloc (09022015). Collection method: clinical testing. Allele origin: germline.

Ambry Genetics
Classification: Likely benign for Hereditary cancer-predisposing syndrome. Last evaluated: 2020-11-10. Review status: criteria provided, single submitter. Criteria: Ambry Variant Classification Scheme 2023. Collection method: clinical testing. Allele origin: germline.

NM_000222.3(KIT):c.291C>T (p.Cys97=)

Gene: KIT (KIT proto-oncogene, receptor tyrosine kinase; plus strand). Cytogenetic location: 4q12.
Variant type: single nucleotide variant.
Coding change: c.291C>T on transcript NM_000222.3 (MANE Select); coding-DNA position 291, C replaced by T.
Protein change: p.Cys97=; no amino-acid change (cysteine 97 retained).
Molecular consequence: synonymous variant.
Genome position (GRCh38, 1-based): chr4:54,695,735, C>T. VCF-style: chr4-54695735-C-T. GRCh37 (hg19) VCF-style: chr4-55561901-C-T.
Other names: c.291C>T, p.Cys97= (NM_001093772.2, NM_001385284.1, NM_001385285.1 and 4 more transcripts).
Identifiers: ClinVar variation 1078939 (VCV001078939.12), dbSNP rs1158435852, ClinGen allele CA439409202.